The following is an entry in ClinVar:

NM_001009944.3(PKD1):c.8042G>A (p.Arg2681His)

Gene: PKD1 (polycystin 1, transient receptor potential channel interacting; minus strand). Cytogenetic location: 16p13.3.
Variant type: single nucleotide variant.
Coding change: c.8042G>A on transcript NM_001009944.3 (MANE Select); coding-DNA position 8042, G replaced by A.
Protein change: p.Arg2681His; replaces arginine 2681 with histidine.
Molecular consequence: missense variant.
Genome position (GRCh38, 1-based): chr16:2,104,617, C>T on the plus strand (G>A on the coding strand, the complement: PKD1 is on the minus strand). VCF-style: chr16-2104617-C-T. GRCh37 (hg19) VCF-style: chr16-2154618-C-T.
Other names: c.8042G>A, p.Arg2681His (NM_000296.4); short protein forms R2681H.
Identifiers: ClinVar variation 1202421 (VCV001202421.31), dbSNP rs200742306, ClinGen allele CA7830741.

ClinVar aggregate classification (germline): Likely benign. Review status: criteria provided, multiple submitters, no conflicts (2 of 4 stars). 6 submissions from 6 submitters: Likely benign (5). 1 of the submissions does not count toward it. Last evaluated 2025-02-01.

Conditions:
Polycystic kidney disease, adult type (PKD1). Also called: POLYCYSTIC KIDNEY DISEASE 1 WITH OR WITHOUT POLYCYSTIC LIVER DISEASE; Polycystic Kidney, Autosomal Dominant; Polycystic Kidney Disease 1, Autosomal Dominant; Polycystic kidney disease 1; Polycystic kidney disease 1, severe; POLYCYSTIC KIDNEY DISEASE, ADULT, TYPE I. Identifiers: MedGen C3149841, MONDO:0008263, OMIM 173900.
PKD1-related disorder. Also called: PKD1-related condition.

Allele frequency attached by ClinVar (database versions not stated): gnomAD exomes 0.00019 and 0.00028; ESP Exome Variant Server 0.00025; gnomAD 0.00032; TOPMed 0.00034; 1000 Genomes Project 30x 0.00047; ExAC 0.00048; 1000 Genomes Project 0.00060.
gnomAD v4.1: 344 of 1,582,506 alleles (0.022%); highest among the groups gnomAD compares: Middle Eastern, 0.3%; 1 homozygote.

Submissions (6):

CeGaT Center for Human Genetics Tuebingen
Classification: Likely benign. Last evaluated: 2025-02-01. Review status: criteria provided, single submitter. Criteria: CeGaT Center For Human Genetics Tuebingen Variant Classification Criteria Version 2. Collection method: clinical testing. Allele origin: germline. Affected: yes. Observed: 5 variant alleles.
Comment: PKD1: BP4

Blueprint Genetics
Classification: Likely benign. Last evaluated: 2024-11-11. Review status: criteria provided, single submitter. Criteria: ACMG Guidelines, 2015. Collection method: clinical testing. Allele origin: germline.

Department of Pathology and Laboratory Medicine, Sinai Health System
Classification: Likely benign for Polycystic kidney disease, adult type. Last evaluated: 2024-01-30. Review status: criteria provided, single submitter. Criteria: ACMG Guidelines, 2015. Collection method: clinical testing. Allele origin: germline.

GeneDx
Classification: Likely benign. Last evaluated: 2021-01-05. Review status: criteria provided, single submitter. Criteria: GeneDx Variant Classification Process June 2021. Collection method: clinical testing. Allele origin: germline. Affected: yes.

Breakthrough Genomics
Classification: Likely benign. Review status: criteria provided, single submitter. Criteria: ACMG Guidelines, 2015. Collection method: not provided. Allele origin: germline. Inheritance: Autosomal dominant inheritance. Affected: yes.

PreventionGenetics, part of Exact Sciences
Classification: Likely benign for PKD1-related condition. Last evaluated: 2022-12-29. Review status: no assertion criteria provided. Collection method: clinical testing. Allele origin: germline. Not counted in ClinVar's aggregate classification.
Comment: This variant is classified as likely benign based on ACMG/AMP sequence variant interpretation guidelines (Richards et al. 2015 PMID: 25741868, with internal and published modifications).